The following is an entry in ClinVar:

ClinVar aggregate classification (germline): Benign. Review status: criteria provided, multiple submitters, no conflicts (2 of 4 stars). 3 submissions from 3 submitters: Benign (2). 1 of the submissions does not count toward it. Last evaluated 2018-01-12.

Conditions:
KRT13-related disorder. Also called: KRT13-related condition.
White sponge nevus 2 (WSN2). Identifiers: MedGen C4014321, MONDO:0014346, OMIM 615785.

Allele frequency attached by ClinVar (database versions not stated): 1000 Genomes Project 0.00020; ESP Exome Variant Server 0.00023; gnomAD 0.00023 and 0.00024; TOPMed 0.00031; gnomAD exomes 0.00034 and 0.00046; ExAC 0.00046; 1000 Genomes Project 30x 0.00016.
gnomAD v4.1: 534 of 1,614,184 alleles (0.033%); highest among the groups gnomAD compares: Middle Eastern, 0.16%; 1 homozygote.

Submissions (3):

Illumina Laboratory Services, Illumina
Classification: Benign for White sponge nevus 2. Last evaluated: 2018-01-12. Review status: criteria provided, single submitter. Criteria: ICSL Variant Classification Criteria 13 December 2019. Collection method: clinical testing. Allele origin: germline.
Comment: This variant was observed in the ICSL laboratory as part of a predisposition screen in an ostensibly healthy population. It had not been previously curated by ICSL or reported in the Human Gene Mutation Database (HGMD: prior to June 1st, 2018), and was therefore a candidate for classification through an automated scoring system. Utilizing variant allele frequency, disease prevalence and penetrance estimates, and inheritance mode, an automated score was calculated to assess if this variant is too frequent to cause the disease. Based on the score and internal cut-off values, a variant classified as benign is not then subjected to further curation. The score for this variant resulted in a classification of benign for this disease.

Breakthrough Genomics
Classification: Benign. Review status: criteria provided, single submitter. Criteria: ACMG Guidelines, 2015. Collection method: not provided. Allele origin: germline. Inheritance: Autosomal dominant inheritance. Affected: yes.

PreventionGenetics, part of Exact Sciences
Classification: Likely benign for KRT13-related condition. Last evaluated: 2019-08-22. Review status: no assertion criteria provided. Collection method: clinical testing. Allele origin: germline. Not counted in ClinVar's aggregate classification.
Comment: This variant is classified as likely benign based on ACMG/AMP sequence variant interpretation guidelines (Richards et al. 2015 PMID: 25741868, with internal and published modifications).

NM_153490.3(KRT13):c.765C>T (p.Val255=)

Gene: KRT13 (keratin 13; minus strand). Cytogenetic location: 17q21.2.
Variant type: single nucleotide variant.
Coding change: c.765C>T on transcript NM_153490.3 (MANE Select); coding-DNA position 765, C replaced by T.
Protein change: p.Val255=; no amino-acid change (valine 255 retained).
Molecular consequence: synonymous variant.
Genome position (GRCh38, 1-based): chr17:41,503,069, G>A on the plus strand (C>T on the coding strand, the complement: KRT13 is on the minus strand). VCF-style: chr17-41503069-G-A. GRCh37 (hg19) VCF-style: chr17-39659321-G-A.
Other names: c.765C>T, p.Val255= (NM_002274.4).
Identifiers: ClinVar variation 323090 (VCV000323090.8), dbSNP rs147564962, ClinGen allele CA8560653.
Genomic context (GRCh38, chr17:41,503,069, plus strand): 5'-TGCCAGCACGCGGGTCAGGTCAATGCCTGGGGTGGCATCCATCTCCACGTTGACCTGGCC[G>A]ACCACCTGGTTGCTAAATTCCTTCATCTCCTGTGGGGATGGGAAAGGAAGATGTGTGAGG-3'
Protein context (NP_705694.3, residues 245-265): EEMKEFSNQV[Val255=]GQVNVEMDAT